The following is an entry in ClinVar:

ClinVar aggregate classification (germline): Uncertain significance (1 of 4 stars; one submission).

Conditions:
Neonatal-onset encephalopathy with rigidity and seizures. Also called: Lethal neonatal spasticity-epileptic encephalopathy syndrome. Identifiers: Orphanet 435845, MedGen C3281029, MONDO:0013784, OMIM 614498.

Allele frequency attached by ClinVar (database versions not stated): ExAC 0.00001; gnomAD exomes 0.00001.
gnomAD v4.1: 9 of 1,600,104 alleles (0.00056%); highest among the groups gnomAD compares: Non-Finnish European, 0.00076%; no homozygotes.

Submission:

Labcorp Genetics (formerly Invitae), Labcorp
Classification: Uncertain significance for Neonatal-onset encephalopathy with rigidity and seizures. Last evaluated: 2022-08-15. Review status: criteria provided, single submitter. Criteria: Invitae Variant Classification Sherloc (09022015). Collection method: clinical testing. Allele origin: germline.
Comment: In summary, the available evidence is currently insufficient to determine the role of this variant in disease. Therefore, it has been classified as a Variant of Uncertain Significance. Algorithms developed to predict the effect of missense changes on protein structure and function are either unavailable or do not agree on the potential impact of this missense change (SIFT: "Deleterious"; PolyPhen-2: "Possibly Damaging"; Align-GVGD: "Class C15"). ClinVar contains an entry for this variant (Variation ID: 1418976). This variant has not been reported in the literature in individuals affected with BRAT1-related conditions. This variant is present in population databases (rs768540693, gnomAD 0.002%). This sequence change replaces glutamic acid, which is acidic and polar, with glycine, which is neutral and non-polar, at codon 656 of the BRAT1 protein (p.Glu656Gly).

NM_152743.4(BRAT1):c.1967A>G (p.Glu656Gly)

Gene: BRAT1 (BRCA1 associated ATM activator 1; minus strand). Cytogenetic location: 7p22.3.
Variant type: single nucleotide variant.
Coding change: c.1967A>G on transcript NM_152743.4 (MANE Select); coding-DNA position 1967, A replaced by G.
Protein change: p.Glu656Gly; replaces glutamic acid 656 with glycine.
Molecular consequence: missense variant. On other transcripts: non-coding transcript variant (1).
Genome position (GRCh38, 1-based): chr7:2,538,568, T>C on the plus strand (A>G on the coding strand, the complement: BRAT1 is on the minus strand). VCF-style: chr7-2538568-T-C. GRCh37 (hg19) VCF-style: chr7-2578202-T-C.
Other names: c.2147A>G, p.Glu716Gly (NM_001350626.2); c.1442A>G, p.Glu481Gly (NM_001350627.2); short protein forms E481G, E656G, E716G.
Identifiers: ClinVar variation 1418976 (VCV001418976.4), dbSNP rs768540693, ClinGen allele CA4127495.
Genomic context (GRCh38, chr7:2,538,568, plus strand): 5'-GCATAGGGGCAGTGGGTACGCGGCGGCCCCAAAGTCTGGCCCAGGAACACGAGGGCCAGC[T>C]CCAGGCCCTGGGCGCGGACCTCCCAGTCCAGGTCTCGGCTCGCCGCCTGCAGCACAGTGG-3'
Protein context (NP_689956.2, residues 646-666): LDWEVRAQGL[Glu656Gly]LALVFLGQTL